The following is an entry in ClinVar:

ClinVar aggregate classification (germline): Likely benign (1 of 4 stars; one submission).

Conditions:
TSHZ3-related disorder. Also called: TSHZ3-related condition.

gnomAD v4.1: 1,724 of 1,614,174 alleles (0.11%); highest among the groups gnomAD compares: Non-Finnish European, 0.13%; 3 homozygotes.

Submission:

PreventionGenetics, part of Exact Sciences
Classification: Likely benign for TSHZ3-related condition. Last evaluated: 2025-09-24. Review status: criteria provided, single submitter. Criteria: ACMG Guidelines, 2015. Collection method: clinical testing. Allele origin: germline.
Comment: This variant is classified as likely benign based on ACMG/AMP sequence variant interpretation guidelines (Richards et al. 2015 PMID: 25741868, with internal and published modifications).

NM_020856.4(TSHZ3):c.1617C>T (p.Asn539=)

Gene: TSHZ3 (teashirt zinc finger homeobox 3; minus strand). Cytogenetic location: 19q12.
Variant type: single nucleotide variant.
Coding change: c.1617C>T on transcript NM_020856.4 (MANE Select); coding-DNA position 1617, C replaced by T.
Protein change: p.Asn539=; no amino-acid change (asparagine 539 retained).
Molecular consequence: synonymous variant.
Genome position (GRCh38, 1-based): chr19:31,278,176, G>A on the plus strand (C>T on the coding strand, the complement: TSHZ3 is on the minus strand). VCF-style: chr19-31278176-G-A. GRCh37 (hg19) VCF-style: chr19-31769082-G-A.
Identifiers: ClinVar variation 4985212 (VCV004985212.1).
Genomic context (GRCh38, chr19:31,278,176, plus strand): 5'-CATGTTGGGAAGTTGGTAGGCGGCATGGATGCTGGGATAGCCCCCCCAGCTAGGAGTGCC[G>A]TTCTGGGCCTTGTTGATTGCGGATGTCACTGTGTTTTCCAAGGATTTGAGGATATCAAGC-3'
Protein context (NP_065907.2, residues 529-549): TVTSAINKAQ[Asn539=]GTPSWGGYPS